The following is an entry in ClinVar:

NM_000371.4(TTR):c.187C>T (p.Pro63Ser)

Gene: TTR (transthyretin; plus strand). Cytogenetic location: 18q12.1.
Variant type: single nucleotide variant.
Coding change: c.187C>T on transcript NM_000371.4 (MANE Select); coding-DNA position 187, C replaced by T.
Protein change: p.Pro63Ser; replaces proline 63 with serine.
Molecular consequence: missense variant.
Genome position (GRCh38, 1-based): chr18:31,593,013, C>T. VCF-style: chr18-31593013-C-T. GRCh37 (hg19) VCF-style: chr18-29172976-C-T.
Other names: short protein forms P63S.
Identifiers: ClinVar variation 4866256 (VCV004866256.1).

ClinVar aggregate classification (germline): Uncertain significance (1 of 4 stars; one submission).

Conditions:
Cardiovascular phenotype. Identifiers: MedGen CN230736.

Submission:

Ambry Genetics
Classification: Uncertain significance for Cardiovascular phenotype. Last evaluated: 2026-04-09. Review status: criteria provided, single submitter. Criteria: Ambry Variant Classification Scheme 2023. Collection method: clinical testing. Allele origin: germline.
Comment: The p.P63S variant (also known as c.187C>T), located in coding exon 2 of the TTR gene, results from a C to T substitution at nucleotide position 187. The proline at codon 63 is replaced by serine, an amino acid with similar properties. This variant was reported in individual(s) with features consistent with hereditary transthyretin-related amyloidosis (Aono Y et al. Intern Med, 2021 Feb;60:557-561; Nomura T et al. Orphanet J Rare Dis, 2025 Sep;20:474). This amino acid position is not well conserved in available vertebrate species. In addition, the in silico prediction for this alteration is inconclusive. Based on the available evidence, the clinical significance of this variant remains unclear.

Literature cited by the submitters: PubMed 32999234; PubMed 40898332.